The following is an entry in ClinVar:

ClinVar aggregate classification (germline): Uncertain significance. Review status: criteria provided, multiple submitters, no conflicts (2 of 4 stars). 3 submissions from 3 submitters: Uncertain significance (3). Last evaluated 2026-09-07.

Conditions:
Hereditary cancer-predisposing syndrome. Also called: Hereditary Cancer Syndrome; Tumor predisposition; Hereditary neoplastic syndrome; Neoplastic Syndromes, Hereditary. Identifiers: Orphanet 140162, MedGen C0027672, MeSH D009386, MONDO:0015356.
Familial cancer of breast. Also called: Hereditary breast cancer; hereditary breast carcinoma; BREAST CANCER, FAMILIAL. Identifiers: Orphanet 227535, MedGen C0346153, MONDO:0016419, OMIM 114480. Disease mechanism: loss of function.
Fanconi anemia complementation group J. Also called: BRIP1-Related Fanconi Anemia. Identifiers: Orphanet 84, MedGen C1836860, MONDO:0012187, OMIM 609054.

Submissions (3):

Ambry Genetics
Classification: Uncertain significance for Hereditary cancer-predisposing syndrome. Last evaluated: 2026-09-07. Review status: criteria provided, single submitter. Criteria: Ambry Variant Classification Scheme 2023. Collection method: clinical testing. Allele origin: germline.
Comment: The p.W839R variant (also known as c.2515T>A), located in coding exon 17 of the BRIP1 gene, results from a T to A substitution at nucleotide position 2515. The tryptophan at codon 839 is replaced by arginine, an amino acid with dissimilar properties. This amino acid position is conserved. In addition, this alteration is predicted to be deleterious by in silico analysis. Based on the available evidence, the clinical significance of this variant remains unclear.

Color Diagnostics, LLC DBA Color Health
Classification: Uncertain significance for Hereditary cancer-predisposing syndrome. Last evaluated: 2023-12-04. Review status: criteria provided, single submitter. Criteria: ACMG Guidelines, 2015. Collection method: clinical testing. Allele origin: germline.
Comment: This missense variant replaces tryptophan with arginine at codon 839 of the BRIP1 protein. Computational prediction suggests that this variant may have deleterious impact on protein structure and function (internally defined REVEL score threshold >= 0.7, PMID: 27666373). To our knowledge, functional studies have not been reported for this variant. This variant has not been reported in individuals affected with BRIP1-related disorders in the literature. This variant has not been identified in the general population by the Genome Aggregation Database (gnomAD). The available evidence is insufficient to determine the role of this variant in disease conclusively. Therefore, this variant is classified as a Variant of Uncertain Significance.

Labcorp Genetics (formerly Invitae), Labcorp
Classification: Uncertain significance for Familial cancer of breast; Fanconi anemia complementation group J. Last evaluated: 2022-03-15. Review status: criteria provided, single submitter. Criteria: Invitae Variant Classification Sherloc (09022015). Collection method: clinical testing. Allele origin: germline.
Comment: In summary, the available evidence is currently insufficient to determine the role of this variant in disease. Therefore, it has been classified as a Variant of Uncertain Significance. Algorithms developed to predict the effect of sequence changes on RNA splicing suggest that this variant may disrupt the consensus splice site. Algorithms developed to predict the effect of missense changes on protein structure and function (SIFT, PolyPhen-2, Align-GVGD) all suggest that this variant is likely to be disruptive. ClinVar contains an entry for this variant (Variation ID: 530331). This variant has not been reported in the literature in individuals affected with BRIP1-related conditions. This variant is not present in population databases (gnomAD no frequency). This sequence change replaces tryptophan, which is neutral and slightly polar, with arginine, which is basic and polar, at codon 839 of the BRIP1 protein (p.Trp839Arg).

NM_032043.3(BRIP1):c.2515T>A (p.Trp839Arg)

Gene: BRIP1 (BRCA1 interacting DNA helicase 1; minus strand). Cytogenetic location: 17q23.2.
Variant type: single nucleotide variant.
Coding change: c.2515T>A on transcript NM_032043.3 (MANE Select); coding-DNA position 2515, T replaced by A.
Protein change: p.Trp839Arg; replaces tryptophan 839 with arginine.
Molecular consequence: missense variant.
Genome position (GRCh38, 1-based): chr17:61,693,490, A>T on the plus strand (T>A on the coding strand, the complement: BRIP1 is on the minus strand). VCF-style: chr17-61693490-A-T. GRCh37 (hg19) VCF-style: chr17-59770851-A-T.
Other names: short protein forms W839R.
Identifiers: ClinVar variation 530331 (VCV000530331.16), dbSNP rs1555574807, ClinGen allele CA400482460.